The following is an entry in ClinVar:

NM_033641.4(COL4A6):c.4730T>C (p.Ile1577Thr)

Gene: COL4A6 (collagen type IV alpha 6 chain; minus strand). Cytogenetic location: Xq22.3.
Variant type: single nucleotide variant.
Coding change: c.4730T>C on transcript NM_033641.4 (MANE Select); coding-DNA position 4730, T replaced by C.
Protein change: p.Ile1577Thr; replaces isoleucine 1577 with threonine.
Molecular consequence: missense variant.
Genome position (GRCh38, 1-based): chrX:108,159,544, A>G on the plus strand (T>C on the coding strand, the complement: COL4A6 is on the minus strand). VCF-style: chrX-108159544-A-G. GRCh37 (hg19) VCF-style: chrX-107402774-A-G.
Other names: c.4781T>C, p.Ile1594Thr (NM_001287758.2); c.4658T>C, p.Ile1553Thr (NM_001287759.2); c.4559T>C, p.Ile1520Thr (NM_001287760.2); c.4733T>C, p.Ile1578Thr (NM_001847.4); c.4733T>C (NM_001847.2); short protein forms I1520T, I1553T, I1577T, I1578T, I1594T.
Identifiers: ClinVar variation 1315782 (VCV001315782.5), dbSNP rs374510545, ClinGen allele CA10487122.
Genomic context (GRCh38, chrX:108,159,544, plus strand): 5'-CAGAGGCTGCGCCAGCCCAGGGGGCACTGCGGGATGGTGATGTCCTGGCTGTGCACAGCA[A>G]TGGCTTGCGAGGGTGCCTCACACACAGAGCAGCGGCTGATGTACTGGGGAATCTGGGTCT-3'
Protein context (NP_378667.1, residues 1567-1587): CSVCEAPSQA[Ile1577Thr]AVHSQDITIP

ClinVar aggregate classification (germline): Conflicting classifications of pathogenicity. Review status: criteria provided, conflicting classifications (1 of 4 stars). 3 submissions from 3 submitters: Uncertain significance (2); Likely benign (1). Last evaluated 2025-01-15.

Allele frequency attached by ClinVar (database versions not stated): gnomAD 0.00004; TOPMed 0.00005; gnomAD exomes 0.00006 and 0.00007; ExAC 0.00009; ESP Exome Variant Server 0.00019.
gnomAD v4.1: 77 of 1,210,966 alleles (0.0064%); highest among the groups gnomAD compares: Non-Finnish European, 0.0083%; no homozygotes.

Submissions (3):

Ambry Genetics
Classification: Uncertain significance. Last evaluated: 2025-01-15. Review status: criteria provided, single submitter. Criteria: Ambry Variant Classification Scheme 2023. Collection method: clinical testing. Allele origin: germline.

Labcorp Genetics (formerly Invitae), Labcorp
Classification: Uncertain significance. Last evaluated: 2024-12-13. Review status: criteria provided, single submitter. Criteria: Invitae Variant Classification Sherloc (09022015). Collection method: clinical testing. Allele origin: germline.
Comment: This sequence change replaces isoleucine, which is neutral and non-polar, with threonine, which is neutral and polar, at codon 1578 of the COL4A6 protein (p.Ile1578Thr). This variant is present in population databases (rs374510545, gnomAD 0.01%). This variant has not been reported in the literature in individuals affected with COL4A6-related conditions. ClinVar contains an entry for this variant (Variation ID: 1315782). Invitae Evidence Modeling of protein sequence and biophysical properties (such as structural, functional, and spatial information, amino acid conservation, physicochemical variation, residue mobility, and thermodynamic stability) indicates that this missense variant is expected to disrupt COL4A6 protein function with a positive predictive value of 80%. In summary, the available evidence is currently insufficient to determine the role of this variant in disease. Therefore, it has been classified as a Variant of Uncertain Significance.

GeneDx
Classification: Likely benign. Last evaluated: 2021-06-17. Review status: criteria provided, single submitter. Criteria: GeneDx Variant Classification Process June 2021. Collection method: clinical testing. Allele origin: germline. Affected: yes.
Comment: This variant is associated with the following publications: (PMID: 27535533)